The following is an entry in ClinVar:

ClinVar aggregate classification (germline): Uncertain significance (1 of 4 stars; one submission).

Submission:

Ambry Genetics
Classification: Uncertain significance. Last evaluated: 2026-08-16. Review status: criteria provided, single submitter. Criteria: Ambry Variant Classification Scheme 2023. Collection method: clinical testing. Allele origin: germline.
Comment: The p.K2154Q variant (also known as c.6460A>C), located in coding exon 27 of the WNK2 gene, results from an A to C substitution at nucleotide position 6460. The lysine at codon 2154 is replaced by glutamine, an amino acid with similar properties. This amino acid position is conserved. In addition, this alteration is predicted to be tolerated by in silico analysis. Based on the available evidence, the clinical significance of this variant remains unclear.

NM_006648.4(WNK2):c.6460A>C (p.Lys2154Gln)

Gene: WNK2 (WNK lysine deficient protein kinase 2; plus strand). Cytogenetic location: 9q22.31.
Variant type: single nucleotide variant.
Coding change: c.6460A>C on transcript NM_006648.4 (MANE Select); coding-DNA position 6460, A replaced by C.
Protein change: p.Lys2154Gln; replaces lysine 2154 with glutamine.
Molecular consequence: missense variant.
Genome position (GRCh38, 1-based): chr9:93,308,528, A>C. VCF-style: chr9-93308528-A-C. GRCh37 (hg19) VCF-style: chr9-96070810-A-C.
Other names: c.6571A>C, p.Lys2191Gln (NM_001282394.3); short protein forms K2191Q, K2154Q.
Identifiers: ClinVar variation 5031930 (VCV005031930.1).